The following is an entry in ClinVar:

ClinVar aggregate classification (germline): Uncertain significance (1 of 4 stars; one submission).

Conditions:
Immunodeficiency 27A (IMD27A). Also called: IFNGR1 DEFICIENCY, AUTOSOMAL RECESSIVE; IMMUNODEFICIENCY 27A, MYCOBACTERIOSIS, AUTOSOMAL RECESSIVE. Identifiers: Orphanet 319569, Orphanet 99898, MedGen C4011949, MONDO:0008856, OMIM 209950.

Submission:

Next Generation Genetic Polyclinic
Classification: Uncertain significance for Immunodeficiency 27A. Last evaluated: 2025-03-29. Review status: criteria provided, single submitter. Criteria: ACMG Guidelines, 2015. Collection method: curation. Allele origin: germline. Affected: yes. Observed: 1 variant allele.
Comment: Novel missense variant in the IFNGR1 gene (c.254G>A; p.Arg85His), affecting a conserved residue. The variant is absent from population databases such as gnomAD (PM2), and there are no prior reports in ClinVar or the literature. In silico predictions are unavailable or inconclusive. IFNGR1 mutations are associated with autosomal dominant and recessive forms of susceptibility to mycobacterial disease, and the heterozygous state limits interpretation. The variant was identified via clinical testing, and Sanger sequencing confirmed its presence. Currently classified as a Variant of Uncertain Significance (VUS). Meets ACMG criteria: PM2 (absent in population), possibly PP3 (if in silico supports damaging effect), but lacking additional supporting evidence.

NM_000416.3(IFNGR1):c.254G>A (p.Cys85Tyr)

Gene: IFNGR1 (interferon gamma receptor 1; minus strand). Cytogenetic location: 6q23.3.
Variant type: single nucleotide variant.
Coding change: c.254G>A on transcript NM_000416.3 (MANE Select); coding-DNA position 254, G replaced by A.
Protein change: p.Cys85Tyr; replaces cysteine 85 with tyrosine.
Molecular consequence: missense variant.
Genome position (GRCh38, 1-based): chr6:137,206,255, C>T on the plus strand (G>A on the coding strand, the complement: IFNGR1 is on the minus strand). VCF-style: chr6-137206255-C-T. GRCh37 (hg19) VCF-style: chr6-137527392-C-T.
Other names: c.224G>A, p.Cys75Tyr (NM_001363526.1); c.131G>A, p.Cys44Tyr (NM_001363527.1); short protein forms C44Y, C75Y, C85Y.
Identifiers: ClinVar variation 4071523 (VCV004071523.1).